The following is an entry in ClinVar:

NM_020812.4(DOCK6):c.4823C>T (p.Ala1608Val)

Genes: DOCK6 (dedicator of cytokinesis 6; minus strand), DOCK6-AS1 (DOCK6 antisense RNA 1; plus strand). Cytogenetic location: 19p13.2.
Variant type: single nucleotide variant.
Coding change: c.4823C>T on transcript NM_020812.4 (MANE Select); coding-DNA position 4823, C replaced by T.
Protein change: p.Ala1608Val; replaces alanine 1608 with valine.
Molecular consequence: missense variant.
Genome position (GRCh38, 1-based): chr19:11,209,032, G>A on the plus strand (C>T on the coding strand, the complement: DOCK6 is on the minus strand). VCF-style: chr19-11209032-G-A. GRCh37 (hg19) VCF-style: chr19-11319708-G-A.
Other names: c.4928C>T, p.Ala1643Val (NM_001367830.1); c.4823C>T (NM_020812.2); short protein forms A1608V, A1643V.
Identifiers: ClinVar variation 2077861 (VCV002077861.4), dbSNP rs199955559, ClinGen allele CA9206725.
Genomic context (GRCh38, chr19:11,209,032, plus strand): 5'-GCCACGAGGGCGGCCGCGTGCACCATGCACTGGGCGGCCTCGGCGTGGTTGCCCAGCTCC[G>A]CGTGCTTCCCGGCCATGTTCTGCAACCAGGTCAGCCGAAGGTCCGGTGAGCCCTGGTAGC-3'
Protein context (NP_065863.2, residues 1598-1618): TWLQNMAGKH[Ala1608Val]ELGNHAEAAQ

ClinVar aggregate classification (germline): Uncertain significance. Review status: criteria provided, multiple submitters, no conflicts (2 of 4 stars). 2 submissions from 2 submitters: Uncertain significance (2). Last evaluated 2024-07-05.

Conditions:
Inborn genetic diseases. Identifiers: MedGen C0950123, MeSH D030342.

Allele frequency attached by ClinVar (database versions not stated): ExAC 0.00010; gnomAD 0.00013; TOPMed 0.00013; 1000 Genomes Project 0.00040; ESP Exome Variant Server 0.00040; 1000 Genomes Project 30x 0.00062.
gnomAD v4.1: 83 of 1,612,020 alleles (0.0051%); highest among the groups gnomAD compares: African/African-American, 0.036%; no homozygotes.

Submissions (2):

Ambry Genetics
Classification: Uncertain significance for Inborn genetic diseases. Last evaluated: 2024-07-05. Review status: criteria provided, single submitter. Criteria: Ambry Variant Classification Scheme 2023. Collection method: clinical testing. Allele origin: germline.

Labcorp Genetics (formerly Invitae), Labcorp
Classification: Uncertain significance. Last evaluated: 2022-06-04. Review status: criteria provided, single submitter. Criteria: Invitae Variant Classification Sherloc (09022015). Collection method: clinical testing. Allele origin: germline.
Comment: Algorithms developed to predict the effect of missense changes on protein structure and function (SIFT, PolyPhen-2, Align-GVGD) all suggest that this variant is likely to be tolerated. In summary, the available evidence is currently insufficient to determine the role of this variant in disease. Therefore, it has been classified as a Variant of Uncertain Significance. This variant has not been reported in the literature in individuals affected with DOCK6-related conditions. This sequence change replaces alanine, which is neutral and non-polar, with valine, which is neutral and non-polar, at codon 1608 of the DOCK6 protein (p.Ala1608Val). This variant is present in population databases (rs199955559, gnomAD 0.05%).